The following is an entry in ClinVar:

ClinVar aggregate classification (germline): Uncertain significance (1 of 4 stars; one submission).

Conditions:
Anterior segment dysgenesis. Also called: Ocular anterior segment dysgenesis. Identifiers: Orphanet 88632, MedGen C1862839, MONDO:0019503, HP:0007700.
Congenital primary aphakia. Also called: Anterior segment dysgenesis 2, multiple subtypes; ANTERIOR SEGMENT DYSGENESIS 2. Identifiers: Orphanet 83461, MedGen C1853230, MONDO:0012456, OMIM 610256.

gnomAD v4.1: 1 of 1,351,776 alleles (0.000074%); no homozygotes.

Submission:

Labcorp Genetics (formerly Invitae), Labcorp
Classification: Uncertain significance for Anterior segment dysgenesis; Congenital primary aphakia. Last evaluated: 2024-12-14. Review status: criteria provided, single submitter. Criteria: Invitae Variant Classification Sherloc (09022015). Collection method: clinical testing. Allele origin: germline.
Comment: This sequence change replaces serine, which is neutral and polar, with isoleucine, which is neutral and non-polar, at codon 218 of the FOXE3 protein (p.Ser218Ile). This variant is not present in population databases (gnomAD no frequency). This variant has not been reported in the literature in individuals affected with FOXE3-related conditions. ClinVar contains an entry for this variant (Variation ID: 2937589). Invitae Evidence Modeling of protein sequence and biophysical properties (such as structural, functional, and spatial information, amino acid conservation, physicochemical variation, residue mobility, and thermodynamic stability) has been performed for this missense variant. However, the output from this modeling did not meet the statistical confidence thresholds required to predict the impact of this variant on FOXE3 protein function. In summary, the available evidence is currently insufficient to determine the role of this variant in disease. Therefore, it has been classified as a Variant of Uncertain Significance.

NM_012186.3(FOXE3):c.653G>T (p.Ser218Ile)

Genes: FOXE3 (forkhead box E3; plus strand), LINC01389 (long independently transcribed non-coding RNA 1389; minus strand). Cytogenetic location: 1p33.
Variant type: single nucleotide variant.
Coding change: c.653G>T on transcript NM_012186.3 (MANE Select); coding-DNA position 653, G replaced by T.
Protein change: p.Ser218Ile; replaces serine 218 with isoleucine.
Molecular consequence: missense variant.
Genome position (GRCh38, 1-based): chr1:47,416,968, G>T. VCF-style: chr1-47416968-G-T. GRCh37 (hg19) VCF-style: chr1-47882640-G-T.
Other names: short protein forms S218I.
Identifiers: ClinVar variation 2937589 (VCV002937589.3), dbSNP rs2521321238, ClinGen allele CA340250422.
Genomic context (GRCh38, chr1:47,416,968, plus strand): 5'-CGCTGCTGGTGCCGCCGCCTTCTGCCGGACCGGGCCCCTCGCCGCCCGCGCGTCTGTTCA[G>T]CGTCGACAGCCTGGTGAACCTGCAGCCGGAGCTAGCGGGGCTGGGCGCCCCCGAGCCGCC-3'
Protein context (NP_036318.1, residues 208-228): PGPSPPARLF[Ser218Ile]VDSLVNLQPE